The following is an entry in ClinVar:

NM_004370.6(COL12A1):c.4970C>A (p.Ala1657Asp)

Gene: COL12A1 (collagen type XII alpha 1 chain; minus strand). Cytogenetic location: 6q13.
Variant type: single nucleotide variant.
Coding change: c.4970C>A on transcript NM_004370.6 (MANE Select); coding-DNA position 4970, C replaced by A.
Protein change: p.Ala1657Asp; replaces alanine 1657 with aspartic acid.
Molecular consequence: missense variant.
Genome position (GRCh38, 1-based): chr6:75,138,949, G>T on the plus strand (C>A on the coding strand, the complement: COL12A1 is on the minus strand). VCF-style: chr6-75138949-G-T. GRCh37 (hg19) VCF-style: chr6-75848665-G-T.
Other names: c.1478C>A, p.Ala493Asp (NM_080645.3); short protein forms A1657D, A493D.
Identifiers: ClinVar variation 1010499 (VCV001010499.10), dbSNP rs1766760179, ClinGen allele CA364740063.

ClinVar aggregate classification (germline): Uncertain significance (1 of 4 stars; one submission).

Conditions:
Ullrich congenital muscular dystrophy 2 (UCMD2). Identifiers: Orphanet 75840, MedGen C4225314, MONDO:0014654, OMIM 616470.
Bethlem myopathy 2 (BTHLM2). Identifiers: Orphanet 536516, Orphanet 610, MedGen C4225313, MONDO:0034022, OMIM 616471.

Submission:

Labcorp Genetics (formerly Invitae), Labcorp
Classification: Uncertain significance for Bethlem myopathy 2; Ullrich congenital muscular dystrophy 2. Last evaluated: 2025-10-02. Review status: criteria provided, single submitter. Criteria: Invitae Variant Classification Sherloc (09022015). Collection method: clinical testing. Allele origin: germline.
Comment: This sequence change replaces alanine, which is neutral and non-polar, with aspartic acid, which is acidic and polar, at codon 1657 of the COL12A1 protein (p.Ala1657Asp). This variant is not present in population databases (gnomAD no frequency). This variant has not been reported in the literature in individuals affected with COL12A1-related conditions. ClinVar contains an entry for this variant (Variation ID: 1010499). Invitae Evidence Modeling of protein sequence and biophysical properties (such as structural, functional, and spatial information, amino acid conservation, physicochemical variation, residue mobility, and thermodynamic stability) has been performed for this missense variant. However, the output from this modeling did not meet the statistical confidence thresholds required to predict the impact of this variant on COL12A1 protein function. In summary, the available evidence is currently insufficient to determine the role of this variant in disease. Therefore, it has been classified as a Variant of Uncertain Significance.